The following is an entry in ClinVar:

ClinVar aggregate classification (germline): Likely benign (0 of 4 stars; one submission).

Conditions:
SEMA3F-related disorder. Also called: SEMA3F-related condition.

gnomAD v4.1: 2 of 1,613,336 alleles (0.00012%); highest among the groups gnomAD compares: African/African-American, 0.0013%; no homozygotes.

Submission:

PreventionGenetics, part of Exact Sciences
Classification: Likely benign for SEMA3F-related condition. Last evaluated: 2023-11-15. Review status: no assertion criteria provided. Collection method: clinical testing. Allele origin: germline.
Comment: This variant is classified as likely benign based on ACMG/AMP sequence variant interpretation guidelines (Richards et al. 2015 PMID: 25741868, with internal and published modifications).

NM_004186.5(SEMA3F):c.904-7C>A

Gene: SEMA3F (semaphorin 3F; plus strand). Cytogenetic location: 3p21.31.
Variant type: single nucleotide variant.
Coding change: c.904-7C>A on transcript NM_004186.5 (MANE Select); 7 bases into the intron before coding-DNA position 904, C replaced by A.
Molecular consequence: intron variant.
Genome position (GRCh38, 1-based): chr3:50,182,897, C>A. VCF-style: chr3-50182897-C-A. GRCh37 (hg19) VCF-style: chr3-50220330-C-A.
Other names: c.607-7C>A (NM_001318798.2); c.811-7C>A (NM_001318800.2).
Identifiers: ClinVar variation 3349192 (VCV003349192.1).